The following is an entry in ClinVar:

NM_005908.4(MANBA):c.2356A>G (p.Asn786Asp)

Gene: MANBA (mannosidase beta; minus strand). Cytogenetic location: 4q24.
Variant type: single nucleotide variant.
Coding change: c.2356A>G on transcript NM_005908.4 (MANE Select); coding-DNA position 2356, A replaced by G.
Protein change: p.Asn786Asp; replaces asparagine 786 with aspartic acid.
Molecular consequence: missense variant.
Genome position (GRCh38, 1-based): chr4:102,634,847, T>C on the plus strand (A>G on the coding strand, the complement: MANBA is on the minus strand). VCF-style: chr4-102634847-T-C. GRCh37 (hg19) VCF-style: chr4-103556004-T-C.
Other names: short protein forms N786D.
Identifiers: ClinVar variation 2155290 (VCV002155290.5), dbSNP rs111353791, ClinGen allele CA102712050.
Genomic context (GRCh38, chr4:102,634,847, plus strand): 5'-CAGTGATCTGCGCCTTGCAGAGCCCCACGGCCTCCTTCGGTGAGGACAAGAAGTGGTAGT[T>C]GGTCGGGCTCAGGAGTTCATGGTCAGCTGAAAGGTAAAAGGAAACCACACAGCTTTCCCG-3'
Protein context (NP_005899.3, residues 776-796): SADHELLSPT[Asn786Asp]YHFLSSPKEA

ClinVar aggregate classification (germline): Conflicting classifications of pathogenicity. Review status: criteria provided, conflicting classifications (1 of 4 stars). 2 submissions from 2 submitters: Uncertain significance (1); Likely benign (1). Last evaluated 2024-09-20.

Conditions:
Beta-D-mannosidosis (MANSB). Also called: Beta-Mannosidosis; MANNOSIDOSIS, BETA A, LYSOSOMAL; BETA-MANNOSIDASE DEFICIENCY; LYSOSOMAL BETA-MANNOSIDASE DEFICIENCY. Identifiers: Orphanet 118, MedGen C4048196, MONDO:0009562, OMIM 248510.

gnomAD v4.1: 12 of 1,614,154 alleles (0.00074%); highest among the groups gnomAD compares: African/African-American, 0.004%; no homozygotes.

Submissions (2):

3billion
Classification: Likely benign for Beta-D-mannosidosis. Last evaluated: 2024-09-20. Review status: criteria provided, single submitter. Criteria: ACMG Guidelines, 2015. Collection method: clinical testing. Allele origin: germline. Affected: no.
Comment: The homozygous variant was found in patients diagnosed with another variant in a different gene, with no symptoms related to the gene containing the homozygous variant.

Labcorp Genetics (formerly Invitae), Labcorp
Classification: Uncertain significance for Beta-D-mannosidosis. Last evaluated: 2022-05-09. Review status: criteria provided, single submitter. Criteria: Invitae Variant Classification Sherloc (09022015). Collection method: clinical testing. Allele origin: germline.
Comment: Algorithms developed to predict the effect of missense changes on protein structure and function (SIFT, PolyPhen-2, Align-GVGD) all suggest that this variant is likely to be tolerated. This sequence change replaces asparagine, which is neutral and polar, with aspartic acid, which is acidic and polar, at codon 786 of the MANBA protein (p.Asn786Asp). This variant is present in population databases (rs111353791, gnomAD 0.0009%). This variant has not been reported in the literature in individuals affected with MANBA-related conditions. In summary, the available evidence is currently insufficient to determine the role of this variant in disease. Therefore, it has been classified as a Variant of Uncertain Significance.